The following is an entry in ClinVar:

ClinVar aggregate classification (germline): Conflicting classifications of pathogenicity. Review status: criteria provided, conflicting classifications (1 of 4 stars). 5 submissions from 5 submitters: Uncertain significance (4); Likely benign (1). Last evaluated 2025-07-20.

Conditions:
Birt-Hogg-Dube syndrome. Also called: Birt Hogg Dubé syndrome. Identifiers: Orphanet 122, MedGen C0346010, MONDO:0800444.
Colorectal cancer. Also called: Colorectal cancer, somatic; Malignant Colorectal Neoplasm. Identifiers: MedGen C0346629, MONDO:0005575, OMIM 114500.
Nonpapillary renal cell carcinoma. Identifiers: Orphanet 422526, MedGen CN074294, MONDO:0007763, OMIM 144700.
Familial spontaneous pneumothorax (PSP). Identifiers: Orphanet 2903, MedGen C1868193, MONDO:0008259, OMIM 173600.
17p11.2 microduplication syndrome (PTLS). Also called: CHROMOSOME 17p11.2 DUPLICATION SYNDROME; Potocki-Lupski syndrome; Duplication 17p11.2 syndrome; Potocki-Lupski syndrome (dup(17)(p11.2p11.2)). Identifiers: Orphanet 1713, MedGen C2931246, MONDO:0012574, OMIM 610883.
Hereditary cancer-predisposing syndrome. Also called: Hereditary neoplastic syndrome; Neoplastic Syndromes, Hereditary; Tumor predisposition; Hereditary Cancer Syndrome. Identifiers: Orphanet 140162, MedGen C0027672, MeSH D009386, MONDO:0015356.

Allele frequency attached by ClinVar (database versions not stated): TOPMed below 0.00001; gnomAD 0.00001.
gnomAD v4.1: 1 of 1,613,786 alleles (0.000062%); highest among the groups gnomAD compares: Non-Finnish European, 0.000085%; no homozygotes.

Submissions (5):

Labcorp Genetics (formerly Invitae), Labcorp
Classification: Uncertain significance for Birt-Hogg-Dube syndrome. Last evaluated: 2025-07-20. Review status: criteria provided, single submitter. Criteria: Invitae Variant Classification Sherloc (09022015). Collection method: clinical testing. Allele origin: germline.
Comment: This sequence change replaces phenylalanine, which is neutral and non-polar, with leucine, which is neutral and non-polar, at codon 166 of the FLCN protein (p.Phe166Leu). This variant is not present in population databases (gnomAD no frequency). This variant has not been reported in the literature in individuals affected with FLCN-related conditions. ClinVar contains an entry for this variant (Variation ID: 460618). Invitae Evidence Modeling of protein sequence and biophysical properties (such as structural, functional, and spatial information, amino acid conservation, physicochemical variation, residue mobility, and thermodynamic stability) indicates that this missense variant is not expected to disrupt FLCN protein function with a negative predictive value of 80%. In summary, the available evidence is currently insufficient to determine the role of this variant in disease. Therefore, it has been classified as a Variant of Uncertain Significance.

GeneDx
Classification: Uncertain significance. Last evaluated: 2024-09-11. Review status: criteria provided, single submitter. Criteria: GeneDx Variant Classification Process June 2021. Collection method: clinical testing. Allele origin: germline. Affected: yes.
Comment: Not observed at significant frequency in large population cohorts (gnomAD); In silico analysis supports that this missense variant has a deleterious effect on protein structure/function; Has not been previously published as pathogenic or benign to our knowledge

Baylor Genetics
Classification: Uncertain significance for Birt-Hogg-Dube syndrome 1. Last evaluated: 2023-08-26. Review status: criteria provided, single submitter. Criteria: ACMG Guidelines, 2015. Collection method: clinical testing. Allele origin: unknown.

Ambry Genetics
Classification: Likely benign for Hereditary cancer-predisposing syndrome. Last evaluated: 2023-05-11. Review status: criteria provided, single submitter. Criteria: Ambry Variant Classification Scheme 2023. Collection method: clinical testing. Allele origin: germline.

Fulgent Genetics
Classification: Uncertain significance for Colorectal cancer; Birt-Hogg-Dube syndrome 1; Nonpapillary renal cell carcinoma; Familial spontaneous pneumothorax; 17p11.2 microduplication syndrome. Last evaluated: 2021-12-16. Review status: criteria provided, single submitter. Criteria: ACMG Guidelines, 2015. Collection method: clinical testing. Allele origin: unknown.

NM_144997.7(FLCN):c.498C>G (p.Phe166Leu)

Gene: FLCN (folliculin; minus strand). Cytogenetic location: 17p11.2.
Variant type: single nucleotide variant.
Coding change: c.498C>G on transcript NM_144997.7 (MANE Select); coding-DNA position 498, C replaced by G.
Protein change: p.Phe166Leu; replaces phenylalanine 166 with leucine.
Molecular consequence: missense variant.
Genome position (GRCh38, 1-based): chr17:17,224,042, G>C on the plus strand (C>G on the coding strand, the complement: FLCN is on the minus strand). VCF-style: chr17-17224042-G-C. GRCh37 (hg19) VCF-style: chr17-17127356-G-C.
Other names: c.498C>G (LRG_325t1); c.552C>G, p.Phe184Leu (NM_001353229.2); c.498C>G, p.Phe166Leu (NM_001353230.2, NM_001353231.2, NM_144606.7); short protein forms F166L, F184L.
Identifiers: ClinVar variation 460618 (VCV000460618.17), dbSNP rs1040675580, ClinGen allele CA288317129.
Genomic context (GRCh38, chr17:17,224,042, plus strand): 5'-CCAGGAGTTGATGAGGTAGATCCGGTCCATCATGATGGTGATGATGCTGTACCAGCGCTG[G>C]AAGCCCCTGGCCAGGCTGTCCTTGATGAAGAAGGTGTGGCTGAACACAAAGCCGTGCTGC-3'
Protein context (NP_659434.2, residues 156-176): FFIKDSLARG[Phe166Leu]QRWYSIITIM